The following is an entry in ClinVar:

ClinVar aggregate classification (germline): Conflicting classifications of pathogenicity. Review status: criteria provided, conflicting classifications (1 of 4 stars). 3 submissions from 3 submitters: Uncertain significance (2); Likely benign (1). Last evaluated 2025-05-21.

Conditions:
Facioscapulohumeral muscular dystrophy 2 (FSHD2). Also called: MUSCULAR DYSTROPHY, FACIOSCAPULOHUMERAL, TYPE 1B; FACIOSCAPULOHUMERAL MUSCULAR DYSTROPHY 2, DIGENIC; FSHD2, DIGENIC. Identifiers: Orphanet 269, MedGen C1834671, MONDO:0008031, OMIM 158901.

Allele frequency attached by ClinVar (database versions not stated): gnomAD exomes below 0.00001; TOPMed 0.00005; gnomAD 0.00006.
gnomAD v4.1: 12 of 1,610,852 alleles (0.00074%); highest among the groups gnomAD compares: Admixed American, 0.005%; no homozygotes.

Submissions (3):

Labcorp Genetics (formerly Invitae), Labcorp
Classification: Uncertain significance for Facioscapulohumeral muscular dystrophy 2. Last evaluated: 2025-05-21. Review status: criteria provided, single submitter. Criteria: Invitae Variant Classification Sherloc (09022015). Collection method: clinical testing. Allele origin: germline.
Comment: This sequence change replaces arginine, which is basic and polar, with cysteine, which is neutral and slightly polar, at codon 1370 of the SMCHD1 protein (p.Arg1370Cys). The frequency data for this variant in the population databases is considered unreliable, as metrics indicate poor data quality at this position in the gnomAD database. This variant has not been reported in the literature in individuals affected with SMCHD1-related conditions. ClinVar contains an entry for this variant (Variation ID: 448425). Invitae Evidence Modeling of protein sequence and biophysical properties (such as structural, functional, and spatial information, amino acid conservation, physicochemical variation, residue mobility, and thermodynamic stability) indicates that this missense variant is not expected to disrupt SMCHD1 protein function with a negative predictive value of 80%. In summary, the available evidence is currently insufficient to determine the role of this variant in disease. Therefore, it has been classified as a Variant of Uncertain Significance.

Revvity Omics, Revvity
Classification: Uncertain significance. Last evaluated: 2020-07-22. Review status: criteria provided, single submitter. Criteria: ACMG Guidelines, 2015. Collection method: clinical testing. Allele origin: germline.

Athena Diagnostics
Classification: Likely benign. Last evaluated: 2017-04-21. Review status: criteria provided, single submitter. Criteria: Athena Diagnostics Criteria. Collection method: clinical testing. Allele origin: germline.

NM_015295.3(SMCHD1):c.4108C>T (p.Arg1370Cys)

Gene: SMCHD1 (structural maintenance of chromosomes flexible hinge domain containing 1; plus strand). Cytogenetic location: 18p11.32.
Variant type: single nucleotide variant.
Coding change: c.4108C>T on transcript NM_015295.3 (MANE Select); coding-DNA position 4108, C replaced by T.
Protein change: p.Arg1370Cys; replaces arginine 1370 with cysteine.
Molecular consequence: missense variant.
Genome position (GRCh38, 1-based): chr18:2,750,450, C>T. VCF-style: chr18-2750450-C-T. GRCh37 (hg19) VCF-style: chr18-2750448-C-T.
Other names: short protein forms R1370C.
Identifiers: ClinVar variation 448425 (VCV000448425.11), dbSNP rs942559171, ClinGen allele CA295479500.